The following is an entry in ClinVar:

ClinVar aggregate classification (germline): Pathogenic (0 of 4 stars; one submission).

Conditions:
Hemolytic uremic syndrome, atypical, susceptibility to, 1. Also called: AHUS, SUSCEPTIBILITY TO, 1. Identifiers: Orphanet 2134, Orphanet 90038, MedGen C2749604, MONDO:0009335, OMIM 235400. Disease mechanism: Other.

Submission:

GeneReviews
Classification: Pathogenic for Atypical Hemolytic-Uremic Syndrome. Last evaluated: 2011-03-10. Review status: no assertion criteria provided. Collection method: curation. Allele origin: unknown.
ClinVar note: Converted during submission from pathologic to Pathogenic.

NC_000001.10:g.(196712876_196712928)_(196797494_196797546)del

Genes: CFH (complement factor H; plus strand), CFHR1 (complement factor H related 1; plus strand), CFHR3 (complement factor H related 3; plus strand). Cytogenetic location: 1q31.3.
Variant type: Deletion.
Other names: CFH/CFHR1 hybrid allele; NM_000186.2:CFH/CFHR1 hybrid allele.
Identifiers: ClinVar variation 21089 (VCV000021089.3).